The following is an entry in ClinVar:

NM_001005337.3(PKP1):c.1008C>T (p.Ser336=)

Gene: PKP1 (plakophilin 1; plus strand). Cytogenetic location: 1q32.1.
Variant type: single nucleotide variant.
Coding change: c.1008C>T on transcript NM_001005337.3 (MANE Select); coding-DNA position 1008, C replaced by T.
Protein change: p.Ser336=; no amino-acid change (serine 336 retained).
Molecular consequence: synonymous variant.
Genome position (GRCh38, 1-based): chr1:201,317,733, C>T. VCF-style: chr1-201317733-C-T. GRCh37 (hg19) VCF-style: chr1-201286861-C-T.
Other names: c.1008C>T, p.Ser336= (NM_000299.4).
Identifiers: ClinVar variation 294816 (VCV000294816.11), dbSNP rs148303000, ClinGen allele CA1324268.

ClinVar aggregate classification (germline): Benign/Likely benign. Review status: criteria provided, multiple submitters, no conflicts (2 of 4 stars). 2 submissions from 2 submitters: Benign (1); Likely benign (1). Last evaluated 2024-10-29.

Conditions:
Epidermolysis bullosa simplex due to plakophilin deficiency. Also called: MCGRATH SYNDROME. Identifiers: Orphanet 158668, MedGen C1858302, MONDO:0011472, OMIM 604536.

Allele frequency attached by ClinVar (database versions not stated): gnomAD exomes 0.00010 and 0.00032; gnomAD 0.00014 and 0.00017; TOPMed 0.00029; ExAC 0.00039; 1000 Genomes Project 30x 0.00156; 1000 Genomes Project 0.00160.
gnomAD v4.1: 173 of 1,613,922 alleles (0.011%); highest among the groups gnomAD compares: East Asian, 0.35%; no homozygotes.

Submissions (2):

Labcorp Genetics (formerly Invitae), Labcorp
Classification: Benign. Last evaluated: 2024-10-29. Review status: criteria provided, single submitter. Criteria: Invitae Variant Classification Sherloc (09022015). Collection method: clinical testing. Allele origin: germline.

Illumina Laboratory Services, Illumina
Classification: Likely benign for Epidermolysis bullosa simplex due to plakophilin deficiency. Last evaluated: 2018-01-12. Review status: criteria provided, single submitter. Criteria: ICSL Variant Classification Criteria 13 December 2019. Collection method: clinical testing. Allele origin: germline.
Comment: This variant was observed in the ICSL laboratory as part of a predisposition screen in an ostensibly healthy population. It had not been previously curated by ICSL or reported in the Human Gene Mutation Database (HGMD: prior to June 1st, 2018), and was therefore a candidate for classification through an automated scoring system. Utilizing variant allele frequency, disease prevalence and penetrance estimates, and inheritance mode, an automated score was calculated to assess if this variant is too frequent to cause the disease. Based on the score and internal cut-off values, a variant classified as likely benign is not then subjected to further curation. The score for this variant resulted in a classification of likely benign for this disease.